The following is an entry in ClinVar:

ClinVar aggregate classification (germline): Likely pathogenic (1 of 4 stars; one submission).

Conditions:
Glycogen storage disease type III (GSD3). Also called: Cori disease; FORBES DISEASE. Identifiers: Orphanet 366, MedGen C0017922, MONDO:0009291, OMIM 232400.

Submission:

Myriad Genetics, Inc.
Classification: Likely pathogenic for Glycogen storage disease type III. Last evaluated: 2019-11-10. Review status: criteria provided, single submitter. Criteria: Myriad Women's Health Autosomal Recessive and X-Linked Classification Criteria (2019). Collection method: clinical testing. Allele origin: unknown.
Comment: NM_000642.2(AGL):c.516C>A(C172*) is expected to be pathogenic in the context of glycogen storage disease type III. This variant is predicted to lead to an abnormal or absent protein product due to the creation of a premature termination codon in AGL, a gene where loss-of-function variants are known to be pathogenic. Please note: this variant was assessed in the context of healthy population screening.

NM_000642.3(AGL):c.516C>A (p.Cys172Ter)

Gene: AGL (amylo-alpha-1,6-glucosidase and 4-alpha-glucanotransferase; plus strand). Cytogenetic location: 1p21.2.
Variant type: single nucleotide variant.
Coding change: c.516C>A on transcript NM_000642.3 (MANE Select); coding-DNA position 516, C replaced by A.
Protein change: p.Cys172Ter; replaces cysteine 172 with a stop codon.
Molecular consequence: nonsense.
Genome position (GRCh38, 1-based): chr1:99,864,441, C>A. VCF-style: chr1-99864441-C-A. GRCh37 (hg19) VCF-style: chr1-100329997-C-A.
Other names: c.516C>A, p.Cys172Ter (NM_000028.3, NM_000643.3, NM_000644.3 and 3 more transcripts); c.468C>A, p.Cys156Ter (NM_000646.3); c.138C>A, p.Cys46Ter (NM_001425332.1); short protein forms C156*, C172*, C46*.
Identifiers: ClinVar variation 983785 (VCV000983785.3), dbSNP rs1650330685, ClinGen allele CA341335285.